The following is an entry in ClinVar:

ClinVar aggregate classification (germline): Uncertain significance (1 of 4 stars; one submission).

Submission:

GeneDx
Classification: Uncertain significance. Last evaluated: 2022-09-27. Review status: criteria provided, single submitter. Criteria: GeneDx Variant Classification Process June 2021. Collection method: clinical testing. Allele origin: germline. Affected: yes.
Comment: Not observed at significant frequency in large population cohorts (gnomAD); In silico analysis supports that this missense variant has a deleterious effect on protein structure/function; Has not been previously published as pathogenic or benign to our knowledge; This variant is associated with the following publications: (PMID: 20591885)

NM_000138.5(FBN1):c.5615T>C (p.Phe1872Ser)

Gene: FBN1 (fibrillin 1; minus strand). Cytogenetic location: 15q21.1.
Variant type: single nucleotide variant.
Coding change: c.5615T>C on transcript NM_000138.5 (MANE Select); coding-DNA position 5615, T replaced by C.
Protein change: p.Phe1872Ser; replaces phenylalanine 1872 with serine.
Molecular consequence: missense variant.
Genome position (GRCh38, 1-based): chr15:48,448,824, A>G on the plus strand (T>C on the coding strand, the complement: FBN1 is on the minus strand). VCF-style: chr15-48448824-A-G. GRCh37 (hg19) VCF-style: chr15-48741021-A-G.
Other names: c.5615T>C, p.Phe1872Ser (NM_001406716.1); short protein forms F1872S.
Identifiers: ClinVar variation 2446328 (VCV002446328.1), dbSNP rs2505463260, ClinGen allele CA392341953.